The following is an entry in ClinVar:

NM_014908.4(DOLK):c.1201_1202del (p.Ser401fs)

Gene: DOLK (dolichol kinase; minus strand). Cytogenetic location: 9q34.11.
Variant type: Deletion.
Coding change: c.1201_1202del on transcript NM_014908.4 (MANE Select); coding-DNA positions 1201 to 1202, 2 bases deleted (AG; older notation c.1201_1202delAG).
Protein change: p.Ser401fs; shifts the reading frame from serine 401.
Molecular consequence: frameshift variant.
Genome position (GRCh38, 1-based): chr9:128,946,102-128,946,103, CT deleted on the plus strand (AG on the coding strand, the reverse complement: DOLK is on the minus strand). VCF-style (leftmost placement, unchanged base first): chr9-128946101-ACT-A. GRCh37 (hg19) VCF-style: chr9-131708380-ACT-A.
Other names: c.1201_1202del (NM_014908.3); short protein forms S401fs.
Identifiers: ClinVar variation 1063967 (VCV001063967.9), dbSNP rs919111760, ClinGen allele CA200444527.

ClinVar aggregate classification (germline): Conflicting classifications of pathogenicity. Review status: criteria provided, conflicting classifications (1 of 4 stars). 3 submissions from 3 submitters: Likely pathogenic (1); Uncertain significance (2). Last evaluated 2022-01-05.

Conditions:
Cardiovascular phenotype. Identifiers: MedGen CN230736.
DK1-congenital disorder of glycosylation. Also called: CDG Im; DOLK-congenital disorder of glycosylation; Carbohydrate deficient glycoprotein syndrome type 1m; DK1-CDG; DK1 DEFICIENCY; DOLICHOL KINASE DEFICIENCY. Identifiers: Orphanet 91131, MedGen C1835849, MONDO:0012556, OMIM 610768.

Allele frequency attached by ClinVar (database versions not stated): gnomAD exomes 0.00001 and 0.00002; gnomAD 0.00002; TOPMed 0.00002.

Submissions (3):

Ambry Genetics
Classification: Likely pathogenic for Cardiovascular phenotype. Last evaluated: 2022-01-05. Review status: criteria provided, single submitter. Criteria: Ambry Variant Classification Scheme 2023. Collection method: clinical testing. Allele origin: germline.
Comment: The c.1201_1202delAG variant, located in coding exon 1 of the DOLK gene, results from a deletion of two nucleotides at nucleotide positions 1201 to 1202, causing a translational frameshift with a predicted alternate stop codon (p.S401Wfs*30). This alteration is not expected to trigger nonsense-mediated mRNA decay, and only impacts the last 25% of the protein. However, premature stop codons are typically deleterious in nature and the impacted region is critical for protein function (Ambry internal data). This variant is considered to be rare based on population cohorts in the Genome Aggregation Database (gnomAD). Based on the majority of available evidence to date, this variant is likely to be pathogenic.

Labcorp Genetics (formerly Invitae), Labcorp
Classification: Uncertain significance for DK1-congenital disorder of glycosylation. Last evaluated: 2021-08-31. Review status: criteria provided, single submitter. Criteria: Invitae Variant Classification Sherloc (09022015). Collection method: clinical testing. Allele origin: germline.
Comment: This sequence change creates a premature translational stop signal (p.Ser401Trpfs*30) in the DOLK gene. While this is not anticipated to result in nonsense mediated decay, it is expected to disrupt the last 138 amino acid(s) of the DOLK protein. This variant is not present in population databases (ExAC no frequency). This variant has not been reported in the literature in individuals affected with DOLK-related conditions. Experimental studies and prediction algorithms are not available or were not evaluated, and the functional significance of this variant is currently unknown. This variant disrupts a region of the DOLK protein in which other variant(s) (p.Gln483Lys) have been observed in individuals with DOLK-related conditions (PMID: 24144945). This suggests that this is a clinically significant region of the protein, and that variants that disrupt it are likely to be disease-causing. In summary, the available evidence is currently insufficient to determine the role of this variant in disease. Therefore, it has been classified as a Variant of Uncertain Significance.

Fulgent Genetics
Classification: Uncertain significance for DK1-congenital disorder of glycosylation. Last evaluated: 2021-07-26. Review status: criteria provided, single submitter. Criteria: ACMG Guidelines, 2015. Collection method: clinical testing. Allele origin: unknown.

Literature cited by the submitters: PubMed 24144945 (cited by Labcorp Genetics (formerly Invitae), Labcorp).